The following is an entry in ClinVar:

NM_001171.6(ABCC6):c.1526C>G (p.Ala509Gly)

Gene: ABCC6 (ATP binding cassette subfamily C member 6; minus strand). Cytogenetic location: 16p13.11.
Variant type: single nucleotide variant.
Coding change: c.1526C>G on transcript NM_001171.6 (MANE Select); coding-DNA position 1526, C replaced by G.
Protein change: p.Ala509Gly; replaces alanine 509 with glycine.
Molecular consequence: missense variant. On other transcripts: non-coding transcript variant (1).
Genome position (GRCh38, 1-based): chr16:16,190,273, G>C on the plus strand (C>G on the coding strand, the complement: ABCC6 is on the minus strand). VCF-style: chr16-16190273-G-C. GRCh37 (hg19) VCF-style: chr16-16284130-G-C.
Other names: c.1184C>G, p.Ala395Gly (NM_001351800.1); short protein forms A509G, A395G.
Identifiers: ClinVar variation 433491 (VCV000433491.54), dbSNP rs779408186, ClinGen allele CA7926276.
Genomic context (GRCh38, chr16:16,190,273, plus strand): 5'-CCGGAGGTCCGCAAGGCGCCCAGCTCCTGGCCTCGGATGCCCAGGACTCTGTCCAGAAAG[G>C]CTCCCTCCCAGCCATGGAACTTGATGGTCTTCGAGTTCCTGAGGATAGAGCTGGTGAGCC-3'
Protein context (NP_001162.5, residues 499-519): KTIKFHGWEG[Ala509Gly]FLDRVLGIRG

ClinVar aggregate classification (germline): Conflicting classifications of pathogenicity. Review status: criteria provided, conflicting classifications (1 of 4 stars). 6 submissions from 6 submitters: Likely pathogenic (3); Uncertain significance (2). 1 of the submissions does not count toward it. Last evaluated 2024-10-17.

Conditions:
Autosomal recessive inherited pseudoxanthoma elasticum (PXE). Identifiers: Orphanet 758, MedGen CN032334, MONDO:0009925, OMIM 264800.
Pseudoxanthoma elasticum, forme fruste. Also called: Pseudoxanthoma Elasticum, Incomplete; PSEUDOXANTHOMA ELASTICUM, HETEROZYGOUS. Identifiers: Orphanet 758, MedGen C1867450, MONDO:0008333, OMIM 177850.
Arterial calcification, generalized, of infancy, 2. Identifiers: Orphanet 51608, MedGen C3276161, MONDO:0013768, OMIM 614473.

Allele frequency attached by ClinVar (database versions not stated): ExAC 0.00001; gnomAD 0.00001; TOPMed 0.00002; gnomAD exomes 0.00003.
gnomAD v4.1: 43 of 1,613,994 alleles (0.0027%); highest among the groups gnomAD compares: Middle Eastern, 0.016%; no homozygotes.

Submissions (6):

Blueprint Genetics
Classification: Uncertain significance. Last evaluated: 2024-10-17. Review status: criteria provided, single submitter. Criteria: ACMG Guidelines, 2015. Collection method: clinical testing. Allele origin: germline.

Labcorp Genetics (formerly Invitae), Labcorp
Classification: Uncertain significance. Last evaluated: 2024-10-08. Review status: criteria provided, single submitter. Criteria: Invitae Variant Classification Sherloc (09022015). Collection method: clinical testing. Allele origin: germline.
Comment: This sequence change replaces alanine, which is neutral and non-polar, with glycine, which is neutral and non-polar, at codon 509 of the ABCC6 protein (p.Ala509Gly). This variant is present in population databases (rs779408186, gnomAD 0.004%). This missense change has been observed in individual(s) with pseudoxanthoma elasticum (PMID: 28102862, 34205333, 34906475; internal data). In at least one individual the data is consistent with being in trans (on the opposite chromosome) from a pathogenic variant. ClinVar contains an entry for this variant (Variation ID: 433491). Invitae Evidence Modeling of protein sequence and biophysical properties (such as structural, functional, and spatial information, amino acid conservation, physicochemical variation, residue mobility, and thermodynamic stability) has been performed for this missense variant. However, the output from this modeling did not meet the statistical confidence thresholds required to predict the impact of this variant on ABCC6 protein function. In summary, the available evidence is currently insufficient to determine the role of this variant in disease. Therefore, it has been classified as a Variant of Uncertain Significance.

Fulgent Genetics
Classification: Likely pathogenic for Pseudoxanthoma elasticum, forme fruste; Autosomal recessive inherited pseudoxanthoma elasticum; Arterial calcification, generalized, of infancy, 2. Last evaluated: 2024-04-14. Review status: criteria provided, single submitter. Criteria: ACMG Guidelines, 2015. Collection method: clinical testing. Allele origin: germline.

GeneDx
Classification: Likely pathogenic. Last evaluated: 2024-02-20. Review status: criteria provided, single submitter. Criteria: GeneDx Variant Classification Process June 2021. Collection method: clinical testing. Allele origin: germline. Affected: yes.
Comment: Identified in additional patients with pseudoxanthoma elasticum in published literature, but additional evidence is not available (PMID: 28102862, 34205333); In silico analysis supports that this missense variant has a deleterious effect on protein structure/function; This variant is associated with the following publications: (PMID: 34205333, 31589614, 34426522, 34906475, Yassky[CaseReport]2022, 28102862)

CeGaT Center for Human Genetics Tuebingen
Classification: Likely pathogenic. Last evaluated: 2019-02-01. Review status: criteria provided, single submitter. Criteria: CeGaT Center For Human Genetics Tuebingen Variant Classification Criteria Version 2. Collection method: clinical testing. Allele origin: germline. Affected: yes. Observed: 1 variant allele.

PXE International
Classification: Uncertain significance for Autosomal recessive inherited pseudoxanthoma elasticum. Last evaluated: 2020-11-17. Review status: no assertion criteria provided. Collection method: research. Allele origin: germline. Inheritance: Autosomal recessive inheritance. Affected: yes. Observed: 1 variant allele. Not counted in ClinVar's aggregate classification.

Literature cited by the submitters: PubMed 28102862 (cited by Labcorp Genetics (formerly Invitae), Labcorp); PubMed 34205333 (cited by Labcorp Genetics (formerly Invitae), Labcorp); PubMed 34906475 (cited by Labcorp Genetics (formerly Invitae), Labcorp).